The following is an entry in ClinVar:

ClinVar aggregate classification (germline): Uncertain significance (1 of 4 stars; one submission).

gnomAD v4.1: 55 of 1,611,476 alleles (0.0034%); highest among the groups gnomAD compares: Middle Eastern, 0.11%; 1 homozygote.

Submission:

Dasa
Classification: Uncertain significance. Last evaluated: 2025-01-20. Review status: criteria provided, single submitter. Criteria: DASA Assertion Criteria. Collection method: clinical testing. Allele origin: germline.
Comment: NM_003502.4(AXIN1):c.2129C>T (p.Ala710Val) is a missense variant that results in the substitution of alanine with valine. This variant has been observed in affected individuals with AXIN1-related disorders. Also, this variant is rare in population databases. Computational prediction algorithms are consistent with a benign effect. The currently available literature and clinical evidence are not sufficient to establish a definitive association between this variant and the reported condition. Therefore, this variant is classified as a variant of uncertain significance.

NM_003502.4(AXIN1):c.2129C>T (p.Ala710Val)

Gene: AXIN1 (axin 1; minus strand). Cytogenetic location: 16p13.3.
Variant type: single nucleotide variant.
Coding change: c.2129C>T on transcript NM_003502.4 (MANE Select); coding-DNA position 2129, C replaced by T.
Protein change: p.Ala710Val; replaces alanine 710 with valine.
Molecular consequence: missense variant. On other transcripts: non-coding transcript variant (1).
Genome position (GRCh38, 1-based): chr16:293,545, G>A on the plus strand (C>T on the coding strand, the complement: AXIN1 is on the minus strand). VCF-style: chr16-293545-G-A. GRCh37 (hg19) VCF-style: chr16-343545-G-A.
Other names: c.2129C>T, p.Ala710Val (NM_181050.3); short protein forms A710V.
Identifiers: ClinVar variation 4880888 (VCV004880888.2).